The following is an entry in ClinVar:

ClinVar aggregate classification (germline): Conflicting classifications of pathogenicity. Review status: criteria provided, conflicting classifications (1 of 4 stars). 5 submissions from 5 submitters: Uncertain significance (3); Likely benign (1). 1 of the submissions does not count toward it. Last evaluated 2025-12-23.

Conditions:
DNAH11-related disorder. Also called: DNAH11-related condition.
Primary ciliary dyskinesia. Also called: Ciliary dyskinesia. Identifiers: Orphanet 244, MedGen C0008780, MONDO:0016575, HP:0012265.
Primary ciliary dyskinesia 7. Also called: CILIARY DYSKINESIA, PRIMARY, 7, WITH OR WITHOUT SITUS INVERSUS. Identifiers: Orphanet 244, MedGen C2678473, MONDO:0012748, OMIM 611884.

Allele frequency attached by ClinVar (database versions not stated): gnomAD 0.00001; gnomAD exomes 0.00002 and 0.00005; TOPMed 0.00002; ESP Exome Variant Server 0.00008.
gnomAD v4.1: 79 of 1,613,732 alleles (0.0049%); highest among the groups gnomAD compares: Non-Finnish European, 0.0064%; no homozygotes.

Submissions (5):

Labcorp Genetics (formerly Invitae), Labcorp
Classification: Likely benign for Primary ciliary dyskinesia. Last evaluated: 2025-12-23. Review status: criteria provided, single submitter. Criteria: Invitae Variant Classification Sherloc (09022015). Collection method: clinical testing. Allele origin: germline.

GeneDx
Classification: Uncertain significance. Last evaluated: 2024-11-04. Review status: criteria provided, single submitter. Criteria: GeneDx Variant Classification Process June 2021. Collection method: clinical testing. Allele origin: germline. Affected: yes.
Comment: In silico analysis supports that this missense variant has a deleterious effect on protein structure/function; Has not been previously published as pathogenic or benign to our knowledge

Ambry Genetics
Classification: Uncertain significance for Primary ciliary dyskinesia. Last evaluated: 2023-03-01. Review status: criteria provided, single submitter. Criteria: Ambry Variant Classification Scheme 2023. Collection method: clinical testing. Allele origin: germline.

Illumina Laboratory Services, Illumina
Classification: Uncertain significance for Primary ciliary dyskinesia 7. Last evaluated: 2018-01-13. Review status: criteria provided, single submitter. Criteria: ICSL Variant Classification Criteria 13 December 2019. Collection method: clinical testing. Allele origin: germline.

PreventionGenetics, part of Exact Sciences
Classification: Uncertain significance for DNAH11-related condition. Last evaluated: 2024-08-07. Review status: no assertion criteria provided. Collection method: clinical testing. Allele origin: germline. Not counted in ClinVar's aggregate classification.
Comment: The DNAH11 c.6923C>T variant is predicted to result in the amino acid substitution p.Pro2308Leu. To our knowledge, this variant has not been reported in the literature. This variant is reported in 0.0035% of alleles in individuals of European (Non-Finnish) descent in gnomAD. At this time, the clinical significance of this variant is uncertain due to the absence of conclusive functional and genetic evidence.

NM_001277115.2(DNAH11):c.6923C>T (p.Pro2308Leu)

Gene: DNAH11 (dynein axonemal heavy chain 11; plus strand). Cytogenetic location: 7p15.3.
Variant type: single nucleotide variant.
Coding change: c.6923C>T on transcript NM_001277115.2 (MANE Select); coding-DNA position 6923, C replaced by T.
Protein change: p.Pro2308Leu; replaces proline 2308 with leucine.
Molecular consequence: missense variant.
Genome position (GRCh38, 1-based): chr7:21,711,800, C>T. VCF-style: chr7-21711800-C-T. GRCh37 (hg19) VCF-style: chr7-21751418-C-T.
Other names: short protein forms P2308L.
Identifiers: ClinVar variation 410855 (VCV000410855.16), dbSNP rs376475480, ClinGen allele CA16612073.
Genomic context (GRCh38, chr7:21,711,800, plus strand): 5'-TTGCACTCACTCCCTTCATGAGGCTTCTGTTTGAGATACATCACTTAAGGAGCGCAACCC[C>T]GGCCACTGTTTCCAGAGCTGGTATTCTGTATGTGAACCCACAAGATCTGGGCTGGAATCC-3'
Protein context (NP_001264044.1, residues 2298-2318): FEIHHLRSAT[Pro2308Leu]ATVSRAGILY